The following is an entry in ClinVar:

ClinVar aggregate classification (germline): Uncertain significance. Review status: criteria provided, multiple submitters, no conflicts (2 of 4 stars). 3 submissions from 3 submitters: Uncertain significance (3). Last evaluated 2025-11-26.

Conditions:
Inborn genetic diseases. Identifiers: MedGen C0950123, MeSH D030342.

Allele frequency attached by ClinVar (database versions not stated): ExAC 0.00002; gnomAD 0.00002 and 0.00003; gnomAD exomes 0.00002 and 0.00003; TOPMed 0.00003; 1000 Genomes Project 0.00020; 1000 Genomes Project 30x 0.00031.
gnomAD v4.1: 38 of 1,613,362 alleles (0.0024%); highest among the groups gnomAD compares: Admixed American, 0.012%; no homozygotes.

Submissions (3):

Ambry Genetics
Classification: Uncertain significance for Inborn genetic diseases. Last evaluated: 2025-11-26. Review status: criteria provided, single submitter. Criteria: Ambry Variant Classification Scheme 2023. Collection method: clinical testing. Allele origin: germline.

Labcorp Genetics (formerly Invitae), Labcorp
Classification: Uncertain significance. Last evaluated: 2025-03-02. Review status: criteria provided, single submitter. Criteria: Invitae Variant Classification Sherloc (09022015). Collection method: clinical testing. Allele origin: germline.
Comment: This sequence change replaces proline, which is neutral and non-polar, with leucine, which is neutral and non-polar, at codon 356 of the COL2A1 protein (p.Pro356Leu). This variant is present in population databases (rs184529965, gnomAD 0.01%). This variant has not been reported in the literature in individuals affected with COL2A1-related conditions. ClinVar contains an entry for this variant (Variation ID: 1345793). Experimental studies and prediction algorithms are not available or were not evaluated, and the functional significance of this variant is currently unknown. In summary, the available evidence is currently insufficient to determine the role of this variant in disease. Therefore, it has been classified as a Variant of Uncertain Significance.

GeneDx
Classification: Uncertain significance. Last evaluated: 2024-05-28. Review status: criteria provided, single submitter. Criteria: GeneDx Variant Classification Process June 2021. Collection method: clinical testing. Allele origin: germline. Affected: yes.
Comment: In silico analysis supports that this missense variant has a deleterious effect on protein structure/function; Occurs in the triple helical domain at the Y position in the canonical Gly-X-Y repeat; although this variant may have an effect on normal protein folding and function, missense substitution at the Y position is not a common mechanism of disease (HGMD); Has not been previously published as pathogenic or benign to our knowledge

NM_001844.5(COL2A1):c.1067C>T (p.Pro356Leu)

Gene: COL2A1 (collagen type II alpha 1 chain; minus strand). Cytogenetic location: 12q13.11.
Variant type: single nucleotide variant.
Coding change: c.1067C>T on transcript NM_001844.5 (MANE Select); coding-DNA position 1067, C replaced by T.
Protein change: p.Pro356Leu; replaces proline 356 with leucine.
Molecular consequence: missense variant.
Genome position (GRCh38, 1-based): chr12:47,989,762, G>A on the plus strand (C>T on the coding strand, the complement: COL2A1 is on the minus strand). VCF-style: chr12-47989762-G-A. GRCh37 (hg19) VCF-style: chr12-48383545-G-A.
Other names: c.860C>T, p.Pro287Leu (NM_033150.3); short protein forms P287L, P356L.
Identifiers: ClinVar variation 1345793 (VCV001345793.9), dbSNP rs184529965, ClinGen allele CA6535629.